The following is an entry in ClinVar:

NM_004370.6(COL12A1):c.5G>C (p.Arg2Pro)

Gene: COL12A1 (collagen type XII alpha 1 chain; minus strand). Cytogenetic location: 6q14.1.
Variant type: single nucleotide variant.
Coding change: c.5G>C on transcript NM_004370.6 (MANE Select); coding-DNA position 5, G replaced by C.
Protein change: p.Arg2Pro; replaces arginine 2 with proline.
Molecular consequence: missense variant.
Genome position (GRCh38, 1-based): chr6:75,202,788, C>G on the plus strand (G>C on the coding strand, the complement: COL12A1 is on the minus strand). VCF-style: chr6-75202788-C-G. GRCh37 (hg19) VCF-style: chr6-75912504-C-G.
Other names: c.5G>C, p.Arg2Pro (NM_080645.3); short protein forms R2P.
Identifiers: ClinVar variation 2153595 (VCV002153595.4), dbSNP rs1265886692, ClinGen allele CA364734575.

ClinVar aggregate classification (germline): Uncertain significance (1 of 4 stars; one submission).

Conditions:
Ullrich congenital muscular dystrophy 2 (UCMD2). Identifiers: Orphanet 75840, MedGen C4225314, MONDO:0014654, OMIM 616470.
Bethlem myopathy 2 (BTHLM2). Identifiers: Orphanet 536516, Orphanet 610, MedGen C4225313, MONDO:0034022, OMIM 616471.

Allele frequency attached by ClinVar (database versions not stated): TOPMed 0.00001.
gnomAD v4.1: 22 of 1,551,618 alleles (0.0014%); highest among the groups gnomAD compares: Admixed American, 0.002%; no homozygotes.

Submission:

Labcorp Genetics (formerly Invitae), Labcorp
Classification: Uncertain significance for Bethlem myopathy 2; Ullrich congenital muscular dystrophy 2. Last evaluated: 2025-09-29. Review status: criteria provided, single submitter. Criteria: Invitae Variant Classification Sherloc (09022015). Collection method: clinical testing. Allele origin: germline.
Comment: This sequence change replaces arginine, which is basic and polar, with proline, which is neutral and non-polar, at codon 2 of the COL12A1 protein (p.Arg2Pro). This variant is not present in population databases (gnomAD no frequency). This variant has not been reported in the literature in individuals affected with COL12A1-related conditions. ClinVar contains an entry for this variant (Variation ID: 2153595). An algorithm developed to predict the effect of missense changes on protein structure and function (PolyPhen-2) suggests that this variant is likely to be tolerated. In summary, the available evidence is currently insufficient to determine the role of this variant in disease. Therefore, it has been classified as a Variant of Uncertain Significance.